The following is an entry in ClinVar:

NM_000022.4(ADA):c.1051dup (p.Tyr351fs)

Gene: ADA (adenosine deaminase; minus strand). Cytogenetic location: 20q13.12.
Variant type: Duplication.
Coding change: c.1051dup on transcript NM_000022.4 (MANE Select); coding-DNA position 1051, one base duplicated (T; older notation c.1051dupT).
Protein change: p.Tyr351fs; shifts the reading frame from tyrosine 351.
Molecular consequence: frameshift variant. On other transcripts: non-coding transcript variant (1).
Genome position (GRCh38, 1-based): chr20:44,620,326, A duplicated on the plus strand (T on the coding strand, the reverse complement: ADA is on the minus strand). VCF-style (leftmost placement, unchanged base first): chr20-44620325-T-TA. GRCh37 (hg19) VCF-style: chr20-43248966-T-TA.
Other names: c.646dup, p.Tyr216fs (NM_001322050.2); c.979dup, p.Tyr327fs (NM_001322051.2); short protein forms Y327fs, Y216fs, Y351fs.
Identifiers: ClinVar variation 1897978 (VCV001897978.2), dbSNP rs2516158762, ClinGen allele CA2580098186.

ClinVar aggregate classification (germline): Uncertain significance (1 of 4 stars; one submission).

Conditions:
Severe combined immunodeficiency, autosomal recessive, T cell-negative, B cell-negative, NK cell-negative, due to adenosine deaminase deficiency. Also called: ADA deficiency; Adenosine deaminase deficient severe combined immunodeficiency; Severe combined immunodeficiency due to ADA deficiency; Adenosine Deaminase Deficiency; SCID DUE TO ADA DEFICIENCY; SCID DUE TO ADA DEFICIENCY, EARLY-ONSET. Identifiers: Orphanet 277, MedGen C0392607, MONDO:0007064, OMIM 102700.

Submission:

Labcorp Genetics (formerly Invitae), Labcorp
Classification: Uncertain significance for Severe combined immunodeficiency, autosomal recessive, T cell-negative, B cell-negative, NK cell-negative, due to adenosine deaminase deficiency. Last evaluated: 2022-09-13. Review status: criteria provided, single submitter. Criteria: Invitae Variant Classification Sherloc (09022015). Collection method: clinical testing. Allele origin: germline.
Comment: This sequence change results in a frameshift in the ADA gene (p.Tyr351Leufs*53). While this is not anticipated to result in nonsense mediated decay, it is expected to disrupt the last 13 amino acid(s) of the ADA protein and extend the protein by 39 additional amino acid residues. This variant is not present in population databases (gnomAD no frequency). This variant has not been reported in the literature in individuals affected with ADA-related conditions. Experimental studies and prediction algorithms are not available or were not evaluated, and the functional significance of this variant is currently unknown. In summary, the available evidence is currently insufficient to determine the role of this variant in disease. Therefore, it has been classified as a Variant of Uncertain Significance.